The following is an entry in ClinVar:

ClinVar aggregate classification (germline): Uncertain significance (1 of 4 stars; one submission).

Conditions:
Charcot-Marie-Tooth disease type 2E (CMT2E). Also called: CHARCOT-MARIE-TOOTH DISEASE, AXONAL, TYPE 2E; CHARCOT-MARIE-TOOTH NEUROPATHY, TYPE 2E. Identifiers: Orphanet 99939, MedGen C1843225, MONDO:0011894, OMIM 607684.

Allele frequency attached by ClinVar (database versions not stated): gnomAD exomes below 0.00001; TOPMed below 0.00001.

Submission:

Labcorp Genetics (formerly Invitae), Labcorp
Classification: Uncertain significance for Charcot-Marie-Tooth disease type 2E. Last evaluated: 2020-07-23. Review status: criteria provided, single submitter. Criteria: Invitae Variant Classification Sherloc (09022015). Collection method: clinical testing. Allele origin: germline.
Comment: This sequence change replaces serine with cysteine at codon 74 of the NEFL protein (p.Ser74Cys). The serine residue is highly conserved and there is a moderate physicochemical difference between serine and cysteine. This variant is not present in population databases (ExAC no frequency). This variant has not been reported in the literature in individuals with NEFL-related conditions. Experimental studies and prediction algorithms are not available or were not evaluated, and the functional significance of this variant is currently unknown. In summary, the available evidence is currently insufficient to determine the role of this variant in disease. Therefore, it has been classified as a Variant of Uncertain Significance.

NM_006158.5(NEFL):c.220A>T (p.Ser74Cys)

Gene: NEFL (neurofilament light chain; minus strand). Cytogenetic location: 8p21.2.
Variant type: single nucleotide variant.
Coding change: c.220A>T on transcript NM_006158.5 (MANE Select); coding-DNA position 220, A replaced by T.
Protein change: p.Ser74Cys; replaces serine 74 with cysteine.
Molecular consequence: missense variant.
Genome position (GRCh38, 1-based): chr8:24,956,296, T>A on the plus strand (A>T on the coding strand, the complement: NEFL is on the minus strand). VCF-style: chr8-24956296-T-A. GRCh37 (hg19) VCF-style: chr8-24813810-T-A.
Other names: short protein forms S74C.
Identifiers: ClinVar variation 1002903 (VCV001002903.1), dbSNP rs1803055066, ClinGen allele CA370623149.
Genomic context (GRCh38, chr8:24,956,296, plus strand): 5'-GCTGCGCCTTCTCCTGCGTGCGGATGGACTTGAGGTCGTTGCTGATGGCGGCTACCTGGC[T>A]CAGGTCGAGGTTCTCCAGACTGGGCATCAACGATCCAGAGCTGGAGGAGTAGCTGCGGCG-3'
Protein context (NP_006149.2, residues 64-84): LMPSLENLDL[Ser74Cys]QVAAISNDLK